The following is an entry in ClinVar:

ClinVar aggregate classification (germline): Uncertain significance (1 of 4 stars; one submission).

Conditions:
Dyskeratosis congenita. Identifiers: Orphanet 1775, MedGen C0265965, MONDO:0015780.

Submission:

Labcorp Genetics (formerly Invitae), Labcorp
Classification: Uncertain significance for Dyskeratosis congenita. Last evaluated: 2025-08-03. Review status: criteria provided, single submitter. Criteria: Invitae Variant Classification Sherloc (09022015). Collection method: clinical testing. Allele origin: germline.
Comment: This sequence change affects codon 376 of the TINF2 mRNA. It is a 'silent' change, meaning that it does not change the encoded amino acid sequence of the TINF2 protein. It affects a nucleotide within the consensus splice site. This variant is not present in population databases (gnomAD no frequency). This variant has not been reported in the literature in individuals affected with TINF2-related conditions. ClinVar contains an entry for this variant (Variation ID: 1414712). Algorithms developed to predict the effect of sequence changes on RNA splicing suggest that this variant may disrupt the consensus splice site. In summary, the available evidence is currently insufficient to determine the role of this variant in disease. Therefore, it has been classified as a Variant of Uncertain Significance.

NM_001099274.3(TINF2):c.1128A>T (p.Pro376=)

Gene: TINF2 (TERF1 interacting nuclear factor 2; minus strand). Cytogenetic location: 14q12.
Variant type: single nucleotide variant.
Coding change: c.1128A>T on transcript NM_001099274.3 (MANE Select); coding-DNA position 1128, A replaced by T.
Protein change: p.Pro376=; no amino-acid change (proline 376 retained).
Molecular consequence: synonymous variant. On other transcripts: 3 prime UTR variant (1).
Genome position (GRCh38, 1-based): chr14:24,240,264, T>A on the plus strand (A>T on the coding strand, the complement: TINF2 is on the minus strand). VCF-style: chr14-24240264-T-A. GRCh37 (hg19) VCF-style: chr14-24709470-T-A.
Other names: c.1023A>T, p.Pro341= (NM_001363668.2); c.*151A>T (NM_012461.3).
Identifiers: ClinVar variation 1414712 (VCV001414712.6), dbSNP rs2138996390, ClinGen allele CA485782082.
Genomic context (GRCh38, chr14:24,240,264, plus strand): 5'-GCTCTTGAGAGTCCCCAAGAGAGGAGGCTGTTGATCCAATCCTGACTCAGACTACCTACC[T>A]GGCTTCCTGGCCCTAGGAGGTAATAATGATAGTCTCAGGGGGTCCATGTAGCAATCCAAG-3'
Protein context (NP_001092744.1, residues 366-386): LSLLPPRARK[Pro376=]VCPPSLCSSV